The following is an entry in ClinVar:

NM_001267550.2(TTN):c.54375A>G (p.Arg18125=)

Genes: TTN (titin; minus strand), TTN-AS1 (TTN antisense RNA 1; plus strand). Cytogenetic location: 2q31.2.
Variant type: single nucleotide variant.
Coding change: c.54375A>G on transcript NM_001267550.2 (MANE Select); coding-DNA position 54375, A replaced by G.
Protein change: p.Arg18125=; no amino-acid change (arginine 18125 retained).
Molecular consequence: synonymous variant.
Genome position (GRCh38, 1-based): chr2:178,604,714, T>C on the plus strand (A>G on the coding strand, the complement: TTN is on the minus strand). VCF-style: chr2-178604714-T-C. GRCh37 (hg19) VCF-style: chr2-179469441-T-C.
Other names: c.49452A>G, p.Arg16484= (NM_001256850.1); c.27180A>G, p.Arg9060= (NM_003319.4); c.46671A>G, p.Arg15557= (NM_133378.4); c.27555A>G, p.Arg9185= (NM_133432.3); c.27756A>G, p.Arg9252= (NM_133437.4).
Identifiers: ClinVar variation 4866239 (VCV004866239.1).
Genomic context (GRCh38, chr2:178,604,714, plus strand): 5'-AAACCAGAGTCATGTACTTTTAATGTGTATAAGAAAATATTCAGAAGAGTTTACCCCATA[T>C]CTTTTCTCTACAGCAGTGTTGGTGACTTCCTCCCATTCTGCTTTCTTCCTACTTGCATCA-3'
Protein context (NP_001254479.2, residues 18115-18135): EEVTNTAVEK[Arg18125=]YGIWKLIPNG

ClinVar aggregate classification (germline): Uncertain significance (1 of 4 stars; one submission).

Conditions:
Cardiovascular phenotype. Identifiers: MedGen CN230736.

Submission:

Ambry Genetics
Classification: Uncertain significance for Cardiovascular phenotype. Last evaluated: 2026-06-03. Review status: criteria provided, single submitter. Criteria: Ambry Variant Classification Scheme 2023. Collection method: clinical testing. Allele origin: germline.
Comment: The c.27180A>G variant (also known as p.R9060R), located in coding exon 108 of the TTN gene, results from an A to G substitution at nucleotide position 27180. This nucleotide substitution does not change the arginine at codon 9060. This nucleotide position is highly conserved in available vertebrate species. In silico splice site analysis predicts that this alteration will weaken the native splice donor site and will result in the creation or strengthening of a novel splice donor site. Based on the available evidence, the clinical significance of this variant remains unclear.